The following is an entry in ClinVar:

NC_000009.12:g.(?_116697743)_(116699704_?)del

Genes: ASTN2 (astrotactin 2; minus strand), TRIM32 (tripartite motif containing 32; plus strand). Cytogenetic location: 9q33.1.
Variant type: Deletion.
Identifiers: ClinVar variation 833078 (VCV000833078.1).

ClinVar aggregate classification (germline): Pathogenic (1 of 4 stars; one submission).

Conditions:
Bardet-Biedl syndrome (BBS). Identifiers: Orphanet 110, MedGen C0752166, MONDO:0015229.

Submission:

Labcorp Genetics (formerly Invitae), Labcorp
Classification: Pathogenic for Bardet-Biedl syndrome. Last evaluated: 2019-12-27. Review status: criteria provided, single submitter. Criteria: Invitae Variant Classification Sherloc (09022015). Collection method: clinical testing. Allele origin: germline.
Comment: A gross deletion of the genomic region encompassing the full coding sequence of the TRIM32 gene has been identified. The boundaries of this event are unknown as the deletion extends beyond the assayed region for this gene and therefore may encompass additional genes. Similar deletion has been reported in the literature in individuals affected with limb girdle muscular dystrophy (PMID: 25351777, 23541687, Invitae). Loss-of-function variants in TRIM32 are known to be pathogenic (PMID: 23541687). For these reasons, this variant has been classified as Pathogenic.

Literature cited by the submitters: PubMed 23541687; PubMed 25351777.